The following is an entry in ClinVar:

ClinVar aggregate classification (germline): Benign/Likely benign. Review status: criteria provided, multiple submitters, no conflicts (2 of 4 stars). 26 submissions from 19 submitters: Benign (17); Likely benign (4). 5 of the submissions do not count toward it. Last evaluated 2026-02-03.

Conditions:
Cardiovascular phenotype. Identifiers: MedGen CN230736.
Dilated cardiomyopathy 1G (CMD1G). Identifiers: Orphanet 154, MedGen C1858763, MONDO:0011400, OMIM 604145.
Autosomal recessive limb-girdle muscular dystrophy type 2J (LGMDR10). Also called: Limb-girdle muscular dystrophy, type 2J; MUSCULAR DYSTROPHY, LIMB-GIRDLE, AUTOSOMAL RECESSIVE 10. Identifiers: Orphanet 140922, MedGen C1837342, MONDO:0012127, OMIM 608807.
Cardiomyopathy (CMYO). Also called: Cardiomyopathies. Identifiers: Orphanet 167848, MedGen C0878544, MONDO:0004994, HP:0001638. Inheritance: Various modes of inheritance.
Early-onset myopathy with fatal cardiomyopathy (CMYO5). Also called: CONGENITAL MYOPATHY 5 WITH CARDIOMYOPATHY; Salih Myopathy. Identifiers: Orphanet 289377, MedGen C2673677, MONDO:0012714, OMIM 611705. Disease mechanism: loss of function.
Myopathy, myofibrillar, 9, with early respiratory failure (MFM9). Also called: MYOPATHY, PROXIMAL, WITH EARLY RESPIRATORY MUSCLE INVOLVEMENT; Myopathy, distal, with early respiratory failure, autosomal dominant; Hereditary myopathy with early respiratory failure; EDSTROM MYOPATHY. Identifiers: Orphanet 178464, Orphanet 34521, MedGen C1863599, MONDO:0011362, OMIM 603689.
Tibial muscular dystrophy (TMD). Also called: Tibial muscular dystrophy, tardive; UDD MYOPATHY; Udd Distal Myopathy – Tibial Muscular Dystrophy. Identifiers: Orphanet 609, MedGen C1838244, MONDO:0010870, OMIM 600334.

Allele frequency attached by ClinVar (database versions not stated): TOPMed 0.00097; gnomAD 0.00099; ESP Exome Variant Server 0.00140; gnomAD exomes 0.00370; ExAC 0.00439; 1000 Genomes Project 30x 0.00593; 1000 Genomes Project 0.00599.
gnomAD v4.1: 3,511 of 1,613,258 alleles (0.22%); highest among the groups gnomAD compares: South Asian, 2.1%; 52 homozygotes.

Submissions (26):

Labcorp Genetics (formerly Invitae), Labcorp
Classification: Benign for Dilated cardiomyopathy 1G; Autosomal recessive limb-girdle muscular dystrophy type 2J. Last evaluated: 2026-02-03. Review status: criteria provided, single submitter. Criteria: Invitae Variant Classification Sherloc (09022015). Collection method: clinical testing. Allele origin: germline.

ARUP Laboratories, Molecular Genetics and Genomics, ARUP Laboratories
Classification: Benign. Last evaluated: 2025-06-23. Review status: criteria provided, single submitter. Criteria: ARUP Molecular Germline Variant Investigation Process 2024. Collection method: clinical testing. Allele origin: germline.

Molecular Diagnostic Laboratory for Inherited Cardiovascular Disease, Montreal Heart Institute
Classification: Benign. Last evaluated: 2025-04-09. Review status: criteria provided, single submitter. Criteria: ACMG Guidelines, 2015. Collection method: clinical testing. Allele origin: germline. Affected: no.

Athena Diagnostics
Classification: Benign. Last evaluated: 2025-01-20. Review status: criteria provided, single submitter. Criteria: Athena Diagnostics Criteria. Collection method: clinical testing. Allele origin: unknown.
Comment: The frequency of this variant in the general population is higher than would generally be expected for pathogenic variants in this gene. Computational tools yielded predictions that this variant is unlikely to have an effect on normal RNA splicing.

Mayo Clinic Laboratories, Mayo Clinic
Classification: Benign. Last evaluated: 2023-06-16. Review status: criteria provided, single submitter. Criteria: ACMG Guidelines, 2015. Collection method: clinical testing. Allele origin: germline. Observed: 8 variant alleles.
Comment: BS1, BS2

Genome-Nilou Lab
Classification: Benign for Autosomal recessive limb-girdle muscular dystrophy type 2J. Last evaluated: 2021-09-10. Review status: criteria provided, single submitter. Criteria: ACMG Guidelines, 2015. Collection method: clinical testing. Allele origin: germline. Affected: no.

Genome-Nilou Lab
Classification: Benign for Myopathy, myofibrillar, 9, with early respiratory failure. Last evaluated: 2021-09-10. Review status: criteria provided, single submitter. Criteria: ACMG Guidelines, 2015. Collection method: clinical testing. Allele origin: germline. Affected: no.

Genome-Nilou Lab
Classification: Benign for Early-onset myopathy with fatal cardiomyopathy. Last evaluated: 2021-09-10. Review status: criteria provided, single submitter. Criteria: ACMG Guidelines, 2015. Collection method: clinical testing. Allele origin: germline. Affected: no.

Genome-Nilou Lab
Classification: Benign for Tibial muscular dystrophy. Last evaluated: 2021-09-10. Review status: criteria provided, single submitter. Criteria: ACMG Guidelines, 2015. Collection method: clinical testing. Allele origin: germline. Affected: no.

Women's Health and Genetics/Laboratory Corporation of America, LabCorp
Classification: Benign. Last evaluated: 2020-01-06. Review status: criteria provided, single submitter. Criteria: LabCorp Variant Classification Summary - May 2015. Collection method: clinical testing. Allele origin: germline.

CHEO Genetics Diagnostic Laboratory, Children's Hospital of Eastern Ontario
Classification: Benign for Cardiomyopathy. Last evaluated: 2019-05-30. Review status: criteria provided, single submitter. Criteria: ACMG Guidelines, 2015. Collection method: clinical testing. Allele origin: germline.

Illumina Laboratory Services, Illumina
Classification: Likely benign for Dilated cardiomyopathy 1G. Last evaluated: 2018-01-13. Review status: criteria provided, single submitter. Criteria: ICSL Variant Classification Criteria 13 December 2019. Collection method: clinical testing. Allele origin: germline.
Comment: This variant was observed in the ICSL laboratory as part of a predisposition screen in an ostensibly healthy population. It had not been previously curated by ICSL or reported in the Human Gene Mutation Database (HGMD: prior to June 1st, 2018), and was therefore a candidate for classification through an automated scoring system. Utilizing variant allele frequency, disease prevalence and penetrance estimates, and inheritance mode, an automated score was calculated to assess if this variant is too frequent to cause the disease. Based on the score and internal cut-off values, a variant classified as likely benign is not then subjected to further curation. The score for this variant resulted in a classification of likely benign for this disease.

Illumina Laboratory Services, Illumina
Classification: Likely benign for Early-onset myopathy with fatal cardiomyopathy. Last evaluated: 2018-01-13. Review status: criteria provided, single submitter. Criteria: ICSL Variant Classification Criteria 13 December 2019. Collection method: clinical testing. Allele origin: germline.
Comment: the same text as in the submission from Illumina Laboratory Services, Illumina above.

Illumina Laboratory Services, Illumina
Classification: Benign for Myopathy, myofibrillar, 9, with early respiratory failure. Last evaluated: 2018-01-13. Review status: criteria provided, single submitter. Criteria: ICSL Variant Classification Criteria 13 December 2019. Collection method: clinical testing. Allele origin: germline.
Comment: This variant was observed in the ICSL laboratory as part of a predisposition screen in an ostensibly healthy population. It had not been previously curated by ICSL or reported in the Human Gene Mutation Database (HGMD: prior to June 1st, 2018), and was therefore a candidate for classification through an automated scoring system. Utilizing variant allele frequency, disease prevalence and penetrance estimates, and inheritance mode, an automated score was calculated to assess if this variant is too frequent to cause the disease. Based on the score and internal cut-off values, a variant classified as benign is not then subjected to further curation. The score for this variant resulted in a classification of benign for this disease.

Illumina Laboratory Services, Illumina
Classification: Likely benign for Autosomal recessive limb-girdle muscular dystrophy type 2J. Last evaluated: 2018-01-13. Review status: criteria provided, single submitter. Criteria: ICSL Variant Classification Criteria 13 December 2019. Collection method: clinical testing. Allele origin: germline.
Comment: the same text as in the submission from Illumina Laboratory Services, Illumina above.

Illumina Laboratory Services, Illumina
Classification: Benign for Tibial muscular dystrophy. Last evaluated: 2018-01-13. Review status: criteria provided, single submitter. Criteria: ICSL Variant Classification Criteria 13 December 2019. Collection method: clinical testing. Allele origin: germline.
Comment: the same text as in the submission from Illumina Laboratory Services, Illumina above.

Ambry Genetics
Classification: Benign for Cardiovascular phenotype. Last evaluated: 2016-01-06. Review status: criteria provided, single submitter. Criteria: Ambry Variant Classification Scheme 2023. Collection method: clinical testing. Allele origin: germline.

Eurofins Ntd Llc (ga)
Classification: Benign. Last evaluated: 2015-09-03. Review status: criteria provided, single submitter. Criteria: EGL Classification Definitions 2015. Collection method: clinical testing. Allele origin: germline. Observed: 1 variant allele, 1 heterozygote.

Laboratory for Molecular Medicine, Mass General Brigham Personalized Medicine
Classification: Benign. Last evaluated: 2015-04-28. Review status: criteria provided, single submitter. Criteria: LMM Criteria. Collection method: clinical testing. Allele origin: germline. Observed: 14 variant alleles.
Comment: p.Ile30785Ile in exon 305 of TTN: This variant is not expected to have clinical significance because it has been identified in 2.4% (380/15616) of South Asian c hromosomes, including 8 homozygotes, by the Exome Aggregation Consortium (ExAC; dbSNP rs56026369).

GeneDx
Classification: Benign. Last evaluated: 2014-04-29. Review status: criteria provided, single submitter. Criteria: GeneDx Variant Classification (06012015). Collection method: clinical testing. Allele origin: germline. Affected: yes.
Comment: This variant is considered likely benign or benign based on one or more of the following criteria: it is a conservative change, it occurs at a poorly conserved position in the protein, it is predicted to be benign by multiple in silico algorithms, and/or has population frequency not consistent with disease.

Breakthrough Genomics
Classification: Likely benign. Review status: criteria provided, single submitter. Criteria: ACMG Guidelines, 2015. Collection method: not provided. Allele origin: germline. Inheritance: Autosomal recessive inheritance. Affected: yes.

Clinical Genetics DNA and cytogenetics Diagnostics Lab, Erasmus MC, Erasmus Medical Center
Classification: Likely benign. Review status: no assertion criteria provided. Collection method: clinical testing. Allele origin: germline. Affected: yes. Study: VKGL Data-share Consensus. Not counted in ClinVar's aggregate classification.

Clinical Genetics, Academic Medical Center
Classification: Benign. Review status: no assertion criteria provided. Collection method: clinical testing. Allele origin: germline. Affected: yes. Study: VKGL Data-share Consensus. Not counted in ClinVar's aggregate classification.

Diagnostic Laboratory, Department of Genetics, University Medical Center Groningen
Classification: Likely benign. Review status: no assertion criteria provided. Collection method: clinical testing. Allele origin: germline. Affected: yes. Study: VKGL Data-share Consensus. Not counted in ClinVar's aggregate classification.

Joint Genome Diagnostic Labs from Nijmegen and Maastricht, Radboudumc and MUMC+
Classification: Benign. Review status: no assertion criteria provided. Collection method: clinical testing. Allele origin: germline. Affected: yes. Study: VKGL Data-share Consensus. Not counted in ClinVar's aggregate classification.

Laboratory of Diagnostic Genome Analysis, Leiden University Medical Center (LUMC)
Classification: Likely benign. Review status: no assertion criteria provided. Collection method: clinical testing. Allele origin: germline. Affected: yes. Study: VKGL Data-share Consensus. Not counted in ClinVar's aggregate classification.

Literature cited by the submitters: PubMed 24503780 (cited by Athena Diagnostics).

NM_001267550.2(TTN):c.100059T>A (p.Ile33353=)

Genes: TTN (titin; minus strand), TTN-AS1 (TTN antisense RNA 1; plus strand), LOC126806420 (BRD4-independent group 4 enhancer GRCh37_chr2:179401104-179402303; plus strand). Cytogenetic location: 2q31.2.
Variant type: single nucleotide variant.
Coding change: c.100059T>A on transcript NM_001267550.2 (MANE Select); coding-DNA position 100059, T replaced by A.
Protein change: p.Ile33353=; no amino-acid change (isoleucine 33353 retained).
Molecular consequence: synonymous variant.
Genome position (GRCh38, 1-based): chr2:178,537,050, A>T on the plus strand (T>A on the coding strand, the complement: TTN is on the minus strand). VCF-style: chr2-178537050-A-T. GRCh37 (hg19) VCF-style: chr2-179401777-A-T.
Other names: p.I31712I:ATT>ATA; p.Ile31712=; c.95136T>A, p.Ile31712= (NM_001256850.1); c.72864T>A, p.Ile24288= (NM_003319.4); c.92355T>A, p.Ile30785= (NM_133378.4); c.73239T>A, p.Ile24413= (NM_133432.3); c.73440T>A, p.Ile24480= (NM_133437.4).
Identifiers: ClinVar variation 47623 (VCV000047623.51), dbSNP rs56026369, ClinGen allele CA284206.
Genomic context (GRCh38, chr2:178,537,050, plus strand): 5'-GCCGAAAGTGTTCTGAGCTGAAACCCGGAAGTAATAGCCAGCATTTTCTGTGAGGTTCAC[A>T]ATTCTACAGGTTGTCACTGAGATGGCTGAAGACACCAATTGCCATTCAGCCCCCTCCTTG-3'
Protein context (NP_001254479.2, residues 33343-33363): SSAISVTTCR[Ile33353=]VNLTENAGYY